The following is an entry in ClinVar:

ClinVar aggregate classification (germline): Pathogenic (1 of 4 stars; one submission).

Conditions:
Wieacker-Wolff syndrome. Also called: Miles-Carpenter syndrome; Wieacker-Wolff, X-linked recessive; Intellectual disability-developmental delay-contractures syndrome; CONTRACTURES OF FEET, MUSCLE ATROPHY, AND OCULOMOTOR APRAXIA; APRAXIA, OCULOMOTOR, WITH CONGENITAL CONTRACTURES AND MUSCLE ATROPHY; MENTAL RETARDATION, X-LINKED, SYNDROMIC 4. Identifiers: Orphanet 3454, Orphanet 85283, MedGen C0796200, MONDO:0010758, OMIM 314580.

Submission:

Centre for Mendelian Genomics, University Medical Centre Ljubljana
Classification: Pathogenic for Wieacker-Wolff syndrome. Last evaluated: 2020-03-23. Review status: criteria provided, single submitter. Criteria: ACMG Guidelines, 2015. Collection method: clinical testing. Allele origin: unknown. Affected: yes.
Comment: This variant was classified as: Pathogenic. The following ACMG criteria were applied in classifying this variant: PS3,PM1,PM2,PP2,PP3. This variant was detected in hemizygous state.

NM_018684.4(ZC4H2):c.598G>A (p.Ala200Thr)

Gene: ZC4H2 (zinc finger C4H2-type containing; minus strand). Cytogenetic location: Xq11.2.
Variant type: single nucleotide variant.
Coding change: c.598G>A on transcript NM_018684.4 (MANE Select); coding-DNA position 598, G replaced by A.
Protein change: p.Ala200Thr; replaces alanine 200 with threonine.
Molecular consequence: missense variant. On other transcripts: non-coding transcript variant (1).
Genome position (GRCh38, 1-based): chrX:64,917,860, C>T on the plus strand (G>A on the coding strand, the complement: ZC4H2 is on the minus strand). VCF-style: chrX-64917860-C-T. GRCh37 (hg19) VCF-style: chrX-64137740-C-T.
Other names: c.529G>A, p.Ala177Thr (NM_001178032.3, NM_001243804.2); c.435G>A, p.Met145Ile (NM_001178033.3); short protein forms A177T, A200T, M145I.
Identifiers: ClinVar variation 930963 (VCV000930963.3), dbSNP rs1929006117, ClinGen allele CA413411194.
Genomic context (GRCh38, chrX:64,917,860, plus strand): 5'-GTTTCGGCTTTTTGGGGTTCCGGGACCGACTCTTGGCCTTGCAAAGAGGGCATATAGGTG[C>T]ATTCCGGTGAATTTGCTGGTGACATGACAAGCAGGCCTGGTGAGGGACACAGGAAAAAGA-3'
Protein context (NP_061154.1, residues 190-210): LSCHQQIHRN[Ala200Thr]PICPLCKAKS